The following is an entry in ClinVar:

ClinVar aggregate classification (germline): Uncertain significance. Review status: criteria provided, multiple submitters, no conflicts (2 of 4 stars). 3 submissions from 3 submitters: Uncertain significance (3). Last evaluated 2026-04-22.

Conditions:
Inborn genetic diseases. Identifiers: MedGen C0950123, MeSH D030342.

Allele frequency attached by ClinVar (database versions not stated): 1000 Genomes Project 30x 0.00047; gnomAD 0.00046; 1000 Genomes Project 0.00060; TOPMed 0.00051.
gnomAD v4.1: 152 of 1,533,154 alleles (0.0099%); highest among the groups gnomAD compares: African/African-American, 0.14%; 1 homozygote.

Submissions (3):

GeneDx
Classification: Uncertain significance. Last evaluated: 2026-04-22. Review status: criteria provided, single submitter. Criteria: GeneDx Variant Classification Process June 2021. Collection method: clinical testing. Allele origin: germline.
Comment: In silico analysis suggests that this missense variant does not alter protein structure/function; Has not been previously published as pathogenic or benign to our knowledge

Ambry Genetics
Classification: Uncertain significance for Inborn genetic diseases. Last evaluated: 2024-08-21. Review status: criteria provided, single submitter. Criteria: Ambry Variant Classification Scheme 2023. Collection method: clinical testing. Allele origin: germline.

Labcorp Genetics (formerly Invitae), Labcorp
Classification: Uncertain significance. Last evaluated: 2022-05-22. Review status: criteria provided, single submitter. Criteria: Invitae Variant Classification Sherloc (09022015). Collection method: clinical testing. Allele origin: germline.
Comment: This sequence change replaces aspartic acid, which is acidic and polar, with asparagine, which is neutral and polar, at codon 2231 of the APC2 protein (p.Asp2231Asn). This variant is present in population databases (rs200037573, gnomAD 0.1%). This variant has not been reported in the literature in individuals affected with APC2-related conditions. Algorithms developed to predict the effect of missense changes on protein structure and function are either unavailable or do not agree on the potential impact of this missense change (SIFT: "Tolerated"; PolyPhen-2: "Probably Damaging"; Align-GVGD: "Class C0"). In summary, the available evidence is currently insufficient to determine the role of this variant in disease. Therefore, it has been classified as a Variant of Uncertain Significance.

NM_005883.3(APC2):c.6691G>A (p.Asp2231Asn)

Gene: APC2 (APC regulator of Wnt signaling pathway 2; plus strand). Cytogenetic location: 19p13.3.
Variant type: single nucleotide variant.
Coding change: c.6691G>A on transcript NM_005883.3 (MANE Select); coding-DNA position 6691, G replaced by A.
Protein change: p.Asp2231Asn; replaces aspartic acid 2231 with asparagine.
Molecular consequence: missense variant.
Genome position (GRCh38, 1-based): chr19:1,469,992, G>A. VCF-style: chr19-1469992-G-A. GRCh37 (hg19) VCF-style: chr19-1469991-G-A.
Other names: c.6688G>A, p.Asp2230Asn (NM_001351273.1); c.6691G>A (NM_005883.2); short protein forms D2231N, D2230N.
Identifiers: ClinVar variation 2054210 (VCV002054210.4), dbSNP rs200037573, ClinGen allele CA9046168.